The following is an entry in ClinVar:

ClinVar aggregate classification (germline): Likely benign. Review status: criteria provided, multiple submitters, no conflicts (2 of 4 stars). 5 submissions from 5 submitters: Likely benign (4). 1 of the submissions does not count toward it. Last evaluated 2026-06-01.

Conditions:
SMAD6-related disease. Also called: SMAD6-related condition; SMAD6-related disorder. Identifiers: MedGen CN381596, MONDO:0700324.
Aortic valve disease 2 (AOVD2). Identifiers: MedGen C3542024, MONDO:0013902, OMIM 614823.
Inborn genetic diseases. Identifiers: MedGen C0950123, MeSH D030342.

Allele frequency attached by ClinVar (database versions not stated): ExAC below 0.00001; gnomAD below 0.00001 and 0.00009; 1000 Genomes Project 30x 0.00047.

Submissions (5):

CeGaT Center for Human Genetics Tuebingen
Classification: Likely benign. Last evaluated: 2026-06-01. Review status: criteria provided, single submitter. Criteria: CeGaT Center For Human Genetics Tuebingen Variant Classification Criteria Version 2. Collection method: clinical testing. Allele origin: germline. Affected: yes. Observed: 1 variant allele.
Comment: SMAD6: BP4, BP7

Labcorp Genetics (formerly Invitae), Labcorp
Classification: Likely benign for Aortic valve disease 2. Last evaluated: 2026-01-17. Review status: criteria provided, single submitter. Criteria: Invitae Variant Classification Sherloc (09022015). Collection method: clinical testing. Allele origin: germline.

Blueprint Genetics
Classification: Likely benign. Last evaluated: 2024-06-21. Review status: criteria provided, single submitter. Criteria: ACMG Guidelines, 2015. Collection method: clinical testing. Allele origin: germline.

Ambry Genetics
Classification: Likely benign for Inborn genetic diseases. Last evaluated: 2019-06-09. Review status: criteria provided, single submitter. Criteria: Ambry Variant Classification Scheme 2023. Collection method: clinical testing. Allele origin: germline.

PreventionGenetics, part of Exact Sciences
Classification: Likely benign for SMAD6-related condition. Last evaluated: 2024-02-29. Review status: no assertion criteria provided. Collection method: clinical testing. Allele origin: germline. Not counted in ClinVar's aggregate classification.
Comment: This variant is classified as likely benign based on ACMG/AMP sequence variant interpretation guidelines (Richards et al. 2015 PMID: 25741868, with internal and published modifications).

NM_005585.5(SMAD6):c.171C>G (p.Arg57=)

Gene: SMAD6 (SMAD family member 6; plus strand). Cytogenetic location: 15q22.31.
Variant type: single nucleotide variant.
Coding change: c.171C>G on transcript NM_005585.5 (MANE Select); coding-DNA position 171, C replaced by G.
Protein change: p.Arg57=; no amino-acid change (arginine 57 retained).
Molecular consequence: synonymous variant. On other transcripts: non-coding transcript variant (1).
Genome position (GRCh38, 1-based): chr15:66,703,429, C>G. VCF-style: chr15-66703429-C-G. GRCh37 (hg19) VCF-style: chr15-66995767-C-G.
Identifiers: ClinVar variation 471750 (VCV000471750.15), dbSNP rs753456441, ClinGen allele CA7626446.